The following is an entry in ClinVar:

NM_001166108.2(PALLD):c.2258A>C (p.Lys753Thr)

Genes: CBR4 (carbonyl reductase 4; minus strand), PALLD (palladin, cytoskeletal associated protein; plus strand). Cytogenetic location: 4q32.3.
Variant type: single nucleotide variant.
Coding change: c.2258A>C on transcript NM_001166108.2 (MANE Select); coding-DNA position 2258, A replaced by C.
Protein change: p.Lys753Thr; replaces lysine 753 with threonine.
Molecular consequence: missense variant.
Genome position (GRCh38, 1-based): chr4:168,898,500, A>C. VCF-style: chr4-168898500-A-C. GRCh37 (hg19) VCF-style: chr4-169819651-A-C.
Other names: c.1061A>C, p.Lys354Thr (NM_001166109.2); c.746A>C, p.Lys249Thr (NM_001166110.2); c.86A>C, p.Lys29Thr (NM_001367567.1, NM_001367569.1); c.137A>C, p.Lys46Thr (NM_001367568.1, NM_001367570.1); c.2207A>C, p.Lys736Thr (NM_016081.4); short protein forms K29T, K354T, K46T, K736T, K753T, K249T.
Identifiers: ClinVar variation 3413678 (VCV003413678.1).

ClinVar aggregate classification (germline): Uncertain significance (1 of 4 stars; one submission).

gnomAD v4.1: 1 of 1,609,206 alleles (0.000062%); highest among the groups gnomAD compares: African/African-American, 0.0013%; no homozygotes.

Submission:

Ambry Genetics
Classification: Uncertain significance. Last evaluated: 2024-11-26. Review status: criteria provided, single submitter. Criteria: Ambry Variant Classification Scheme 2023. Collection method: clinical testing. Allele origin: germline.
Comment: The p.K249T variant (also known as c.746A>C), located in coding exon 4 of the PALLD gene, results from an A to C substitution at nucleotide position 746. The lysine at codon 249 is replaced by threonine, an amino acid with similar properties. This amino acid position is conserved. In addition, this alteration is predicted to be deleterious by in silico analysis. Based on the available evidence, the clinical significance of this variant remains unclear.